The following is an entry in ClinVar:

ClinVar aggregate classification (germline): Likely benign (1 of 4 stars; one submission).

Conditions:
Mitochondrial complex III deficiency nuclear type 2. Identifiers: MedGen C3554605, MONDO:0014063, OMIM 615157.

Allele frequency attached by ClinVar (database versions not stated): gnomAD exomes 0.03751 and 0.04413; ExAC 0.04620; gnomAD 0.05116 and 0.05160; TOPMed 0.05372; 1000 Genomes Project 0.06829; 1000 Genomes Project 30x 0.06980.
gnomAD v4.1: 19,099 of 454,004 alleles (4.2%); highest among the groups gnomAD compares: African/African-American, 9.6%; 540 homozygotes.

Submission:

Illumina Laboratory Services, Illumina
Classification: Likely benign for Mitochondrial complex III deficiency nuclear type 2. Last evaluated: 2018-01-13. Review status: criteria provided, single submitter. Criteria: ICSL Variant Classification Criteria 13 December 2019. Collection method: clinical testing. Allele origin: germline.
Comment: This variant was observed in the ICSL laboratory as part of a predisposition screen in an ostensibly healthy population. It had not been previously curated by ICSL or reported in the Human Gene Mutation Database (HGMD: prior to June 1st, 2018), and was therefore a candidate for classification through an automated scoring system. Utilizing variant allele frequency, disease prevalence and penetrance estimates, and inheritance mode, an automated score was calculated to assess if this variant is too frequent to cause the disease. Based on the score and internal cut-off values, a variant classified as likely benign is not then subjected to further curation. The score for this variant resulted in a classification of likely benign for this disease.

NM_017775.4(TTC19):c.*971G>A

Gene: TTC19 (tetratricopeptide repeat domain 19; plus strand). Cytogenetic location: 17p12.
Variant type: single nucleotide variant.
Coding change: c.*971G>A on transcript NM_017775.4 (MANE Select); 971 bases downstream of the stop codon, G replaced by A.
Molecular consequence: 3 prime UTR variant.
Genome position (GRCh38, 1-based): chr17:16,028,493, G>A. VCF-style: chr17-16028493-G-A. GRCh37 (hg19) VCF-style: chr17-15931807-G-A.
Other names: c.*971G>A (NM_001271420.2).
Identifiers: ClinVar variation 321965 (VCV000321965.5), dbSNP rs73981414, ClinGen allele CA8407679.
Genomic context (GRCh38, chr17:16,028,493, plus strand): 5'-TTCAGTATCTTCATCTCTAAACTAGGGAAACACTGGGATTCTTTCTTAGCTGTGGGGGAA[G>A]GTATTTGGTTAGATGACTTTGAATGAATAGACTGCTGTGCTGAAAGAGCTTTATCACACT-3'